The following is an entry in ClinVar:

ClinVar aggregate classification (germline): Benign. Review status: reviewed by expert panel (3 of 4 stars). 8 submissions from 8 submitters: Benign (1). 7 of the submissions do not count toward it. Last evaluated 2026-09-15.

Conditions:
Inborn genetic diseases. Identifiers: MedGen C0950123, MeSH D030342.
Creatine transporter deficiency (CCDS1). Also called: Creatine Transporter (CRTR) Deficiency; Mental retardation , X-linked with seizures, short stature and midface hypoplasia; Mental retardation , X-linked, with creatine transport deficiency; X-linked creatine transporter deficiency; X-linked creatine deficiency syndrome; SLC6A8-Related Creatine Transporter Deficiency. Identifiers: Orphanet 52503, MedGen C1845862, MONDO:0010305, OMIM 300352.

Allele frequency attached by ClinVar (database versions not stated): TOPMed 0.00002; gnomAD 0.00011.
gnomAD v4.1: 44 of 1,077,216 alleles (0.0041%); highest among the groups gnomAD compares: Middle Eastern, 0.37%; no homozygotes.

Submissions (8):

ClinGen Cerebral Creatine Deficiency Syndromes Variant Curation Expert Panel, ClinGen
Classification: Benign for Creatine transporter deficiency. Last evaluated: 2026-09-15. Review status: reviewed by expert panel. Criteria: ClinGen CCDS ACMG Specifications SLC6A8 V2.1. Collection method: curation. Allele origin: germline. Inheritance: X-linked inheritance.
Comment: The NM_005629.4:c.92C>T variant in SLC6A8 is a missense variant predicted to cause the substitution of a proline by a methionine at amino acid position 31 (p.Pro31Leu). This variant has been previously reported in one individual with seizures, neurological regression, and spasticity (PMID: 31222513), who was found by exome sequencing to be hemizygous for the variant; however, biochemical studies were not reported for this individual, such that neither PP4 nor PS4 apply. There are 17 total hemizygotes in gnomAD v4.1.0, which is higher than the ClinGen CCDS VCEP’s threshold for BA1 (≥10 total homo- and hemizygotes), and therefore meets this criterion (BA1). The computational predictor REVEL gives a score of 0.114, which is below the threshold of 0.20, and does not predict a damaging effect on SLC6A8 function (BP4). There is a ClinVar entry for this variant (Variation ID:572616). In summary, this variant meets the criteria to be classified as benign for creatine transporter deficiency based on the SLC6A8-specific ACMG/AMP criteria applied, as specified by the ClinGen Cerebral Creatine Deficiency Syndromes Variant Curation Expert Panel (Specifications Version 2.1.0): BA1, BP4. (Classification approved by the ClinGen Cerebral Creatine Deficiency Syndromes Variant Curation Expert Panel on September 15, 2026)

Ambry Genetics
Classification: Likely benign for Inborn genetic diseases. Last evaluated: 2026-01-02. Review status: criteria provided, single submitter. Criteria: Ambry Variant Classification Scheme 2023. Collection method: clinical testing. Allele origin: germline. Not counted in ClinVar's aggregate classification.

Labcorp Genetics (formerly Invitae), Labcorp
Classification: Benign for Creatine transporter deficiency. Last evaluated: 2025-05-02. Review status: criteria provided, single submitter. Criteria: Invitae Variant Classification Sherloc (09022015). Collection method: clinical testing. Allele origin: germline. Not counted in ClinVar's aggregate classification.

Blueprint Genetics
Classification: Likely benign. Last evaluated: 2024-11-06. Review status: criteria provided, single submitter. Criteria: ACMG Guidelines, 2015. Collection method: clinical testing. Allele origin: germline. Not counted in ClinVar's aggregate classification.

Revvity Omics, Revvity
Classification: Uncertain significance for Creatine transporter deficiency. Last evaluated: 2023-05-23. Review status: criteria provided, single submitter. Criteria: ACMG Guidelines, 2015. Collection method: clinical testing. Allele origin: germline. Not counted in ClinVar's aggregate classification.

GeneDx
Classification: Likely benign. Last evaluated: 2021-06-14. Review status: criteria provided, single submitter. Criteria: GeneDx Variant Classification Process June 2021. Collection method: clinical testing. Allele origin: germline. Affected: yes. Not counted in ClinVar's aggregate classification.
Comment: This variant is associated with the following publications: (PMID: 31222513)

CeGaT Center for Human Genetics Tuebingen
Classification: Uncertain significance. Last evaluated: 2018-10-01. Review status: criteria provided, single submitter. Criteria: CeGaT Center For Human Genetics Tuebingen Variant Classification Criteria Version 2. Collection method: clinical testing. Allele origin: germline. Affected: yes. Observed: 1 variant allele. Not counted in ClinVar's aggregate classification.

Department of Genetics, Sultan Qaboos University Hospital
Classification: Uncertain significance for Creatine transporter deficiency. Last evaluated: 2017-12-30. Review status: criteria provided, single submitter. Criteria: ACMG Guidelines, 2015. Collection method: curation. Allele origin: unknown. Affected: yes. Not counted in ClinVar's aggregate classification.

NM_005629.4(SLC6A8):c.92C>T (p.Pro31Leu)

Gene: SLC6A8 (solute carrier family 6 member 8; plus strand). Cytogenetic location: Xq28.
Variant type: single nucleotide variant.
Coding change: c.92C>T on transcript NM_005629.4 (MANE Select); coding-DNA position 92, C replaced by T.
Protein change: p.Pro31Leu; replaces proline 31 with leucine.
Molecular consequence: missense variant.
Genome position (GRCh38, 1-based): chrX:153,688,666, C>T. VCF-style: chrX-153688666-C-T. GRCh37 (hg19) VCF-style: chrX-152954121-C-T.
Other names: NM_005629.4(SLC6A8):c.92C>T; p.Pro31Leu; c.92C>T, p.Pro31Leu (NM_001142805.2); short protein forms P31L.
Identifiers: ClinVar variation 572616 (VCV000572616.62), dbSNP rs868950793, ClinGen allele CA415076214.